The following is an entry in ClinVar:

NM_014991.6(WDFY3):c.10486C>T (p.Arg3496Cys)

Gene: WDFY3 (WD repeat and FYVE domain containing 3; minus strand). Cytogenetic location: 4q21.23.
Variant type: single nucleotide variant.
Coding change: c.10486C>T on transcript NM_014991.6 (MANE Select); coding-DNA position 10486, C replaced by T.
Protein change: p.Arg3496Cys; replaces arginine 3496 with cysteine.
Molecular consequence: missense variant.
Genome position (GRCh38, 1-based): chr4:84,672,963, G>A on the plus strand (C>T on the coding strand, the complement: WDFY3 is on the minus strand). VCF-style: chr4-84672963-G-A. GRCh37 (hg19) VCF-style: chr4-85594116-G-A.
Other names: short protein forms R3496C.
Identifiers: ClinVar variation 1033721 (VCV001033721.4), dbSNP rs149067356, ClinGen allele CA2991912.

ClinVar aggregate classification (germline): Conflicting classifications of pathogenicity. Review status: criteria provided, conflicting classifications (1 of 4 stars). 3 submissions from 3 submitters: Uncertain significance (1); Likely benign (2). Last evaluated 2024-11-26.

Conditions:
Microcephaly 18, primary, autosomal dominant (MCPH18). Identifiers: MedGen C4479608, MONDO:0054593, OMIM 617520.
Inborn genetic diseases. Identifiers: MedGen C0950123, MeSH D030342.

Allele frequency attached by ClinVar (database versions not stated): gnomAD 0.00032 and 0.00033; gnomAD exomes 0.00033 and 0.00071; ExAC 0.00036; TOPMed 0.00045; ESP Exome Variant Server 0.00062.
gnomAD v4.1: 1,027 of 1,562,210 alleles (0.066%); highest among the groups gnomAD compares: Non-Finnish European, 0.084%; no homozygotes.

Submissions (3):

Blueprint Genetics
Classification: Likely benign. Last evaluated: 2024-11-26. Review status: criteria provided, single submitter. Criteria: ACMG Guidelines, 2015. Collection method: clinical testing. Allele origin: germline.

Ambry Genetics
Classification: Likely benign for Inborn genetic diseases. Last evaluated: 2021-09-16. Review status: criteria provided, single submitter. Criteria: Ambry Variant Classification Scheme 2023. Collection method: clinical testing. Allele origin: germline.

Baylor Genetics
Classification: Uncertain significance for Microcephaly 18, primary, autosomal dominant. Last evaluated: 2018-03-15. Review status: criteria provided, single submitter. Criteria: ACMG Guidelines, 2015. Collection method: clinical testing. Allele origin: unknown. Affected: yes.
Comment: This variant was determined to be of uncertain significance according to ACMG Guidelines, 2015 [PMID:25741868].